The following is an entry in ClinVar:

ClinVar aggregate classification (germline): Uncertain significance (0 of 4 stars; one submission).

Conditions:
DYRK1B-related disorder. Also called: DYRK1B-related condition.

gnomAD v4.1: 8 of 1,610,308 alleles (0.0005%); highest among the groups gnomAD compares: Non-Finnish European, 0.00068%; no homozygotes.

Submission:

PreventionGenetics, part of Exact Sciences
Classification: Uncertain significance for DYRK1B-related condition. Last evaluated: 2024-06-28. Review status: no assertion criteria provided. Collection method: clinical testing. Allele origin: germline.
Comment: The DYRK1B c.548G>A variant is predicted to result in the amino acid substitution p.Arg183Gln. This variant has been reported as a variant of uncertain significance in a large cohort study of patients with dyslipidemias (Table S4, Dron et al. 2020. PubMed ID: 32041611). This variant is reported in 0.00089% of alleles in individuals of European (Non-Finnish) descent in gnomAD. At this time, the clinical significance of this variant is uncertain due to the absence of conclusive functional and genetic evidence.

NM_004714.3(DYRK1B):c.548G>A (p.Arg183Gln)

Gene: DYRK1B (dual specificity tyrosine phosphorylation regulated kinase 1B; minus strand). Cytogenetic location: 19q13.2.
Variant type: single nucleotide variant.
Coding change: c.548G>A on transcript NM_004714.3 (MANE Select); coding-DNA position 548, G replaced by A.
Protein change: p.Arg183Gln; replaces arginine 183 with glutamine.
Molecular consequence: missense variant.
Genome position (GRCh38, 1-based): chr19:39,828,556, C>T on the plus strand (G>A on the coding strand, the complement: DYRK1B is on the minus strand). VCF-style: chr19-39828556-C-T. GRCh37 (hg19) VCF-style: chr19-40319196-C-T.
Other names: c.548G>A, p.Arg183Gln (NM_006483.3, NM_006484.3); short protein forms R183Q.
Identifiers: ClinVar variation 3350834 (VCV003350834.1).